The following is an entry in ClinVar:

NM_030665.4(RAI1):c.3945G>A (p.Lys1315=)

Gene: RAI1 (retinoic acid induced 1; plus strand). Cytogenetic location: 17p11.2.
Variant type: single nucleotide variant.
Coding change: c.3945G>A on transcript NM_030665.4 (MANE Select); coding-DNA position 3945, G replaced by A.
Protein change: p.Lys1315=; no amino-acid change (lysine 1315 retained).
Molecular consequence: synonymous variant.
Genome position (GRCh38, 1-based): chr17:17,796,893, G>A. VCF-style: chr17-17796893-G-A. GRCh37 (hg19) VCF-style: chr17-17700207-G-A.
Other names: c.3945G>A (NM_030665.3).
Identifiers: ClinVar variation 3020914 (VCV003020914.5), dbSNP rs142775903, ClinGen allele CA288370872.
Genomic context (GRCh38, chr17:17,796,893, plus strand): 5'-GGAGACCCCCGATGCCTGCCTCAAGCTCGCCTCTCGGGCAGCCTTCCAGGGGGCCATGAA[G>A]ACCAAGGTGCTGCCACCCCGGAAGGGCCGGGGCCTGAAGCTGGAAGCCATCGTGCAGAAG-3'
Protein context (NP_109590.3, residues 1305-1325): ASRAAFQGAM[Lys1315=]TKVLPPRKGR

ClinVar aggregate classification (germline): Likely benign. Review status: criteria provided, single submitter (1 of 4 stars). 2 submissions from 2 submitters: Likely benign (1). 1 of the submissions does not count toward it. Last evaluated 2024-05-22.

Conditions:
RAI1-related disorder. Also called: RAI1-related condition.

Allele frequency attached by ClinVar (database versions not stated): gnomAD exomes 0.00001; gnomAD 0.00002; TOPMed 0.00002; ESP Exome Variant Server 0.00008; 1000 Genomes Project 0.00020; 1000 Genomes Project 30x 0.00031.
gnomAD v4.1: 6 of 1,613,282 alleles (0.00037%); highest among the groups gnomAD compares: Non-Finnish European, 0.00051%; no homozygotes.

Submissions (2):

Labcorp Genetics (formerly Invitae), Labcorp
Classification: Likely benign. Last evaluated: 2024-05-22. Review status: criteria provided, single submitter. Criteria: Invitae Variant Classification Sherloc (09022015). Collection method: clinical testing. Allele origin: germline.

PreventionGenetics, part of Exact Sciences
Classification: Likely benign for RAI1-related condition. Last evaluated: 2023-03-15. Review status: no assertion criteria provided. Collection method: clinical testing. Allele origin: germline. Not counted in ClinVar's aggregate classification.
Comment: This variant is classified as likely benign based on ACMG/AMP sequence variant interpretation guidelines (Richards et al. 2015 PMID: 25741868, with internal and published modifications).